The following is an entry in ClinVar:

ClinVar aggregate classification (germline): Uncertain significance. Review status: criteria provided, multiple submitters, no conflicts (2 of 4 stars). 2 submissions from 2 submitters: Uncertain significance (2). Last evaluated 2025-03-13.

Conditions:
Ectodermal dysplasia and immunodeficiency 2. Identifiers: Orphanet 238468, Orphanet 98813, MedGen C2677481, MONDO:0012806, OMIM 612132.

Allele frequency attached by ClinVar (database versions not stated): ExAC 0.00001.

Submissions (2):

Labcorp Genetics (formerly Invitae), Labcorp
Classification: Uncertain significance for Ectodermal dysplasia and immunodeficiency 2. Last evaluated: 2025-03-13. Review status: criteria provided, single submitter. Criteria: Invitae Variant Classification Sherloc (09022015). Collection method: clinical testing. Allele origin: germline.
Comment: This sequence change replaces alanine, which is neutral and non-polar, with valine, which is neutral and non-polar, at codon 190 of the NFKBIA protein (p.Ala190Val). This variant is not present in population databases (gnomAD no frequency). This variant has not been reported in the literature in individuals affected with NFKBIA-related conditions. ClinVar contains an entry for this variant (Variation ID: 1464772). An algorithm developed to predict the effect of missense changes on protein structure and function (PolyPhen-2) suggests that this variant is likely to be disruptive. In summary, the available evidence is currently insufficient to determine the role of this variant in disease. Therefore, it has been classified as a Variant of Uncertain Significance.

Blueprint Genetics
Classification: Uncertain significance. Last evaluated: 2021-03-29. Review status: criteria provided, single submitter. Criteria: ACMG Guidelines, 2015. Collection method: clinical testing. Allele origin: germline.

NM_020529.3(NFKBIA):c.569C>T (p.Ala190Val)

Gene: NFKBIA (NFKB inhibitor alpha; minus strand). Cytogenetic location: 14q13.2.
Variant type: single nucleotide variant.
Coding change: c.569C>T on transcript NM_020529.3 (MANE Select); coding-DNA position 569, C replaced by T.
Protein change: p.Ala190Val; replaces alanine 190 with valine.
Molecular consequence: missense variant.
Genome position (GRCh38, 1-based): chr14:35,402,838, G>A on the plus strand (C>T on the coding strand, the complement: NFKBIA is on the minus strand). VCF-style: chr14-35402838-G-A. GRCh37 (hg19) VCF-style: chr14-35872044-G-A.
Other names: short protein forms A190V.
Identifiers: ClinVar variation 1464772 (VCV001464772.12), dbSNP rs762771956, ClinGen allele CA7155414.